The following is an entry in ClinVar:

NM_001009944.3(PKD1):c.10578G>T (p.Leu3526=)

Genes: PKD1 (polycystin 1, transient receptor potential channel interacting; minus strand), PKD1-AS1 (PKD1 antisense RNA 1; plus strand). Cytogenetic location: 16p13.3.
Variant type: single nucleotide variant.
Coding change: c.10578G>T on transcript NM_001009944.3 (MANE Select); coding-DNA position 10578, G replaced by T.
Protein change: p.Leu3526=; no amino-acid change (leucine 3526 retained).
Molecular consequence: synonymous variant.
Genome position (GRCh38, 1-based): chr16:2,094,132, C>A on the plus strand (G>T on the coding strand, the complement: PKD1 is on the minus strand). VCF-style: chr16-2094132-C-A. GRCh37 (hg19) VCF-style: chr16-2144133-C-A.
Other names: c.10575G>T, p.Leu3525= (NM_000296.4); c.10578G>T (NM_001009944.2).
Identifiers: ClinVar variation 586240 (VCV000586240.4), dbSNP rs745763060, ClinGen allele CA7829517.
Genomic context (GRCh38, chr16:2,094,132, plus strand): 5'-CCGGGGCTACGCAAGCACACCTGTCCTGGACAGCCTCGCTGCCTGGGGCTGTTCCCAGTT[C>A]AGGCCTGGGCTGGGTGGCCCCAGCTCCCCCAGCCTCTGCAGCGCCAGCGTCTCTGTCTTC-3'
Protein context (NP_001009944.3, residues 3516-3536): LGELGPPSPG[Leu3526=]NWEQPQAARL

ClinVar aggregate classification (germline): Likely benign. Review status: criteria provided, multiple submitters, no conflicts (2 of 4 stars). 3 submissions from 3 submitters: Likely benign (3). Last evaluated 2026-07-21.

Conditions:
Polycystic kidney disease, adult type (PKD1). Also called: Polycystic Kidney, Autosomal Dominant; Polycystic Kidney Disease 1, Autosomal Dominant; Polycystic kidney disease 1; Polycystic kidney disease 1, severe; POLYCYSTIC KIDNEY DISEASE, ADULT, TYPE I; POLYCYSTIC KIDNEY DISEASE 1 WITH OR WITHOUT POLYCYSTIC LIVER DISEASE. Identifiers: MedGen C3149841, MONDO:0008263, OMIM 173900.
PKD1-related disorder. Also called: PKD1-related condition.

Allele frequency attached by ClinVar (database versions not stated): TOPMed 0.00003.
gnomAD v4.1: 57 of 1,596,102 alleles (0.0036%); highest among the groups gnomAD compares: Non-Finnish European, 0.0049%; no homozygotes.

Submissions (3):

PreventionGenetics, part of Exact Sciences
Classification: Likely benign for PKD1-related condition. Last evaluated: 2026-07-21. Review status: criteria provided, single submitter. Criteria: ACMG Guidelines, 2015. Collection method: clinical testing. Allele origin: germline.
Comment: This variant is classified as likely benign based on ACMG/AMP sequence variant interpretation guidelines (Richards et al. 2015 PMID: 25741868, with internal and published modifications).

Fulgent Genetics
Classification: Likely benign for Polycystic kidney disease, adult type. Last evaluated: 2022-03-18. Review status: criteria provided, single submitter. Criteria: ACMG Guidelines, 2015. Collection method: clinical testing. Allele origin: unknown.

Athena Diagnostics
Classification: Likely benign. Last evaluated: 2020-04-08. Review status: criteria provided, single submitter. Criteria: Athena Diagnostics Criteria. Collection method: clinical testing. Allele origin: unknown.